The following is an entry in ClinVar:

ClinVar aggregate classification (germline): Uncertain significance (1 of 4 stars; one submission).

gnomAD v4.1: 1 of 1,608,790 alleles (0.000062%); highest among the groups gnomAD compares: Non-Finnish European, 0.000085%; no homozygotes.

Submission:

GeneDx
Classification: Uncertain significance. Last evaluated: 2022-11-10. Review status: criteria provided, single submitter. Criteria: GeneDx Variant Classification Process June 2021. Collection method: clinical testing. Allele origin: germline. Affected: yes.
Comment: Not observed at significant frequency in large population cohorts (gnomAD); In silico analysis supports that this missense variant does not alter protein structure/function; Has not been previously published as pathogenic or benign to our knowledge

NM_005883.3(APC2):c.564G>C (p.Glu188Asp)

Gene: APC2 (APC regulator of WNT signaling pathway 2; plus strand). Cytogenetic location: 19p13.3.
Variant type: single nucleotide variant.
Coding change: c.564G>C on transcript NM_005883.3 (MANE Select); coding-DNA position 564, G replaced by C.
Protein change: p.Glu188Asp; replaces glutamic acid 188 with aspartic acid.
Molecular consequence: missense variant.
Genome position (GRCh38, 1-based): chr19:1,455,425, G>C. VCF-style: chr19-1455425-G-C. GRCh37 (hg19) VCF-style: chr19-1455424-G-C.
Other names: c.561G>C, p.Glu187Asp (NM_001351273.1); short protein forms E187D, E188D.
Identifiers: ClinVar variation 2501917 (VCV002501917.1), dbSNP rs149886452, ClinGen allele CA403013093.
Genomic context (GRCh38, chr19:1,455,425, plus strand): 5'-GCCCGCCTGCCTTTGCCAGCAGTTCTCGATGCAGATGGACCTGATCCGGCAGCAGCTTGA[G>C]TTCGAGGCCCAGCACATCCGCTCGCTGATGGAGGAGCGCTTCGGCACCTCGGACGAGATG-3'
Protein context (NP_005874.1, residues 178-198): MQMDLIRQQL[Glu188Asp]FEAQHIRSLM